The following is an entry in ClinVar:

NM_020877.5(DNAH2):c.4616A>G (p.Asn1539Ser)

Gene: DNAH2 (dynein axonemal heavy chain 2; plus strand). Cytogenetic location: 17p13.1.
Variant type: single nucleotide variant.
Coding change: c.4616A>G on transcript NM_020877.5 (MANE Select); coding-DNA position 4616, A replaced by G.
Protein change: p.Asn1539Ser; replaces asparagine 1539 with serine.
Molecular consequence: missense variant.
Genome position (GRCh38, 1-based): chr17:7,774,873, A>G. VCF-style: chr17-7774873-A-G. GRCh37 (hg19) VCF-style: chr17-7678191-A-G.
Other names: short protein forms N1539S.
Identifiers: ClinVar variation 5019436 (VCV005019436.2).
Genomic context (GRCh38, chr17:7,774,873, plus strand): 5'-CTCTGGATATGTATTTAGAGACCAAGCGACATATTTTCCCCCGCTTCTACTTCTTGTCCA[A>G]TGATGACCTGCTGGAGATTCTGGGCCAGTCCCGAAACCCAGAGGCTGTGCAGCCACACCT-3'
Protein context (NP_065928.2, residues 1529-1549): HIFPRFYFLS[Asn1539Ser]DDLLEILGQS

ClinVar aggregate classification (germline): Uncertain significance (1 of 4 stars; one submission).

Conditions:
Spermatogenic failure 45. Identifiers: MedGen C5436791, MONDO:0033671, OMIM 619094.

gnomAD v4.1: 60 of 1,614,104 alleles (0.0037%); highest among the groups gnomAD compares: South Asian, 0.015%; no homozygotes.

Submission:

Juno Genomics, Hangzhou Juno Genomics, Inc
Classification: Uncertain significance for Spermatogenic failure 45. Review status: criteria provided, single submitter. Criteria: ACMG Guidelines, 2015. Collection method: clinical testing. Allele origin: germline.
Comment: Absent from controls (or at extremely low frequency if recessive) in Genome Aggregation Database.;Multiple lines of computational evidence support a deleterious effect on the gene or gene product.;Missense variant in a gene that has a low rate of benign missense variation.